The following is an entry in ClinVar:

ClinVar aggregate classification (germline): Likely benign. Review status: criteria provided, multiple submitters, no conflicts (2 of 4 stars). 2 submissions from 2 submitters: Likely benign (2). Last evaluated 2026-01-30.

Conditions:
Wilson disease (WND). Also called: Wilson's disease. Identifiers: Orphanet 905, MedGen C0019202, MONDO:0010200, OMIM 277900. Disease mechanism: loss of function.
ATP7B-related disorder. Also called: ATP7B-related condition.

Allele frequency attached by ClinVar (database versions not stated): gnomAD exomes 0.00001 and 0.00002; ExAC 0.00002; TOPMed 0.00002.
gnomAD v4.1: 6 of 1,614,186 alleles (0.00037%); highest among the groups gnomAD compares: Admixed American, 0.01%; no homozygotes.

Submissions (2):

PreventionGenetics, part of Exact Sciences
Classification: Likely benign for ATP7B-related condition. Last evaluated: 2026-01-30. Review status: criteria provided, single submitter. Criteria: ACMG Guidelines, 2015. Collection method: clinical testing. Allele origin: germline.
Comment: This variant is classified as likely benign based on ACMG/AMP sequence variant interpretation guidelines (Richards et al. 2015 PMID: 25741868, with internal and published modifications).

Labcorp Genetics (formerly Invitae), Labcorp
Classification: Likely benign for Wilson disease. Last evaluated: 2025-01-20. Review status: criteria provided, single submitter. Criteria: Invitae Variant Classification Sherloc (09022015). Collection method: clinical testing. Allele origin: germline.

NM_000053.4(ATP7B):c.1815T>G (p.Leu605=)

Gene: ATP7B (ATPase copper transporting beta; minus strand). Cytogenetic location: 13q14.3.
Variant type: single nucleotide variant.
Coding change: c.1815T>G on transcript NM_000053.4 (MANE Select); coding-DNA position 1815, T replaced by G.
Protein change: p.Leu605=; no amino-acid change (leucine 605 retained).
Molecular consequence: synonymous variant.
Genome position (GRCh38, 1-based): chr13:51,964,926, A>C on the plus strand (T>G on the coding strand, the complement: ATP7B is on the minus strand). VCF-style: chr13-51964926-A-C. GRCh37 (hg19) VCF-style: chr13-52539062-A-C.
Other names: c.1815T>G, p.Leu605= (NM_001005918.3, NM_001330578.2, NM_001330579.2); c.1482T>G, p.Leu494= (NM_001243182.2); c.1815T>G (NM_000053.3).
Identifiers: ClinVar variation 1597950 (VCV001597950.9), dbSNP rs774401223, ClinGen allele CA6989222.